The following is an entry in ClinVar:

ClinVar aggregate classification (germline): Uncertain significance (1 of 4 stars; one submission).

Conditions:
Intellectual developmental disorder, X-linked, syndromic 14. Also called: Syndromic X-linked intellectual disability 14. Identifiers: Orphanet 776, MedGen C1970822, MONDO:0010398, OMIM 300676.

Submission:

Labcorp Genetics (formerly Invitae), Labcorp
Classification: Uncertain significance for Intellectual developmental disorder, X-linked, syndromic 14. Last evaluated: 2021-06-05. Review status: criteria provided, single submitter. Criteria: Invitae Variant Classification Sherloc (09022015). Collection method: clinical testing. Allele origin: germline.
Comment: A copy number gain of the genomic region encompassing the full coding sequence of the UPF3B gene has been identified. The boundaries of this event are unknown as they extend beyond the assayed region for this gene and therefore may encompass additional genes. As the precise location of this event is unknown, it may be in tandem or it may be located elsewhere in the genome. This variant has not been reported in the literature in individuals with UPF3B-related conditions. Experimental studies and prediction algorithms are not available or were not evaluated, and the functional significance of this variant is currently unknown. In summary, the available evidence is currently insufficient to determine the role of this variant in disease. Therefore, it has been classified as a Variant of Uncertain Significance.

NC_000023.10:g.(?_118968821)_(118986911_?)dup

Gene: UPF3B (UPF3B regulator of nonsense mediated mRNA decay; minus strand). Cytogenetic location: Xq24.
Variant type: Duplication.
Identifiers: ClinVar variation 1445287 (VCV001445287.1).